The following is an entry in ClinVar:

ClinVar aggregate classification (germline): Uncertain significance. Review status: criteria provided, multiple submitters, no conflicts (2 of 4 stars). 3 submissions from 3 submitters: Uncertain significance (3). Last evaluated 2025-05-25.

Conditions:
Hereditary cancer-predisposing syndrome. Also called: Neoplastic Syndromes, Hereditary; Tumor predisposition; Hereditary neoplastic syndrome; Hereditary Cancer Syndrome. Identifiers: Orphanet 140162, MedGen C0027672, MeSH D009386, MONDO:0015356.
Tuberous sclerosis 2 (TSC2). Identifiers: Orphanet 805, MedGen C1860707, MONDO:0013199, OMIM 613254.
Tuberous sclerosis syndrome (TSC). Also called: Tuberous sclerosis; Tuberous Sclerosis Complex. Identifiers: Orphanet 805, MedGen C0041341, MONDO:0001734.

Allele frequency attached by ClinVar (database versions not stated): gnomAD exomes below 0.00001; gnomAD 0.00001.
gnomAD v4.1: 2 of 1,612,900 alleles (0.00012%); highest among the groups gnomAD compares: Non-Finnish European, 0.00017%; no homozygotes.

Submissions (3):

Color Diagnostics, LLC DBA Color Health
Classification: Uncertain significance for Tuberous sclerosis syndrome. Last evaluated: 2025-05-25. Review status: criteria provided, single submitter. Criteria: ACMG Guidelines, 2015. Collection method: clinical testing. Allele origin: germline.
Comment: This missense variant replaces isoleucine with valine at codon 980 of the TSC2 protein. Computational prediction suggests that this variant may not impact protein structure and function. To our knowledge, functional studies have not been reported for this variant. This variant has not been reported in individuals affected with TSC2-related disorders in the literature. This variant has not been identified in the general population by the Genome Aggregation Database (gnomAD). The available evidence is insufficient to determine the role of this variant in disease conclusively. Therefore, this variant is classified as a Variant of Uncertain Significance.

Ambry Genetics
Classification: Uncertain significance for Hereditary cancer-predisposing syndrome. Last evaluated: 2024-08-30. Review status: criteria provided, single submitter. Criteria: Ambry Variant Classification Scheme 2023. Collection method: clinical testing. Allele origin: germline.
Comment: The p.I980V variant (also known as c.2938A>G), located in coding exon 25 of the TSC2 gene, results from an A to G substitution at nucleotide position 2938. The isoleucine at codon 980 is replaced by valine, an amino acid with highly similar properties. This amino acid position is not well conserved in available vertebrate species. In addition, the in silico prediction for this alteration is inconclusive. Based on the available evidence, the clinical significance of this variant remains unclear.

Labcorp Genetics (formerly Invitae), Labcorp
Classification: Uncertain significance for Tuberous sclerosis 2. Last evaluated: 2023-12-30. Review status: criteria provided, single submitter. Criteria: Invitae Variant Classification Sherloc (09022015). Collection method: clinical testing. Allele origin: germline.
Comment: This sequence change replaces isoleucine, which is neutral and non-polar, with valine, which is neutral and non-polar, at codon 980 of the TSC2 protein (p.Ile980Val). This variant is not present in population databases (gnomAD no frequency). This variant has not been reported in the literature in individuals affected with TSC2-related conditions. ClinVar contains an entry for this variant (Variation ID: 1797876). Advanced modeling of protein sequence and biophysical properties (such as structural, functional, and spatial information, amino acid conservation, physicochemical variation, residue mobility, and thermodynamic stability) performed at Invitae indicates that this missense variant is not expected to disrupt TSC2 protein function with a negative predictive value of 95%. In summary, the available evidence is currently insufficient to determine the role of this variant in disease. Therefore, it has been classified as a Variant of Uncertain Significance.

NM_000548.5(TSC2):c.2938A>G (p.Ile980Val)

Gene: TSC2 (TSC complex subunit 2; plus strand). Cytogenetic location: 16p13.3.
Variant type: single nucleotide variant.
Coding change: c.2938A>G on transcript NM_000548.5 (MANE Select); coding-DNA position 2938, A replaced by G.
Protein change: p.Ile980Val; replaces isoleucine 980 with valine.
Molecular consequence: missense variant. On other transcripts: intron variant (9).
Genome position (GRCh38, 1-based): chr16:2,077,698, A>G. VCF-style: chr16-2077698-A-G. GRCh37 (hg19) VCF-style: chr16-2127699-A-G.
Other names: c.2938A>G, p.Ile980Val (NM_001114382.3, NM_001406663.1, NM_001406664.1); c.2827A>G, p.Ile943Val (NM_001406670.1); c.2791A>G, p.Ile931Val (NM_001406675.1, NM_001406676.1); c.2338A>G, p.Ile780Val (NM_001406680.1, NM_001406682.1, NM_001406683.1 and 1 more transcripts); c.1594A>G, p.Ile532Val (NM_001406689.1); c.2837+1113A>G (NM_021055.3, NM_001370405.1, NM_001363528.2 and 2 more transcripts); c.2726+1113A>G (NM_001318827.2); c.2237+1113A>G (NM_001318831.2); and 2 more; short protein forms I943V, I980V, I931V, I532V, I780V.
Identifiers: ClinVar variation 1797876 (VCV001797876.8), dbSNP rs2089594947, ClinGen allele CA394281439.